The following is an entry in ClinVar:

NM_014233.4(UBTF):c.2212G>A (p.Asp738Asn)

Genes: UBTF (upstream binding transcription factor; minus strand), ATXN7L3-AS1 (ATXN7L3 antisense RNA 1; plus strand). Cytogenetic location: 17q21.31.
Variant type: single nucleotide variant.
Coding change: c.2212G>A on transcript NM_014233.4 (MANE Select); coding-DNA position 2212, G replaced by A.
Protein change: p.Asp738Asn; replaces aspartic acid 738 with asparagine.
Molecular consequence: missense variant. On other transcripts: non-coding transcript variant (1).
Genome position (GRCh38, 1-based): chr17:44,207,325, C>T on the plus strand (G>A on the coding strand, the complement: UBTF is on the minus strand). VCF-style: chr17-44207325-C-T. GRCh37 (hg19) VCF-style: chr17-42284693-C-T.
Other names: c.2101G>A, p.Asp701Asn (NM_001076683.2, NM_001076684.3); short protein forms D701N, D738N.
Identifiers: ClinVar variation 3774864 (VCV003774864.1).

ClinVar aggregate classification (germline): Uncertain significance (1 of 4 stars; one submission).

gnomAD v4.1: 3 of 1,612,074 alleles (0.00019%); highest among the groups gnomAD compares: Admixed American, 0.0017%; no homozygotes.

Submission:

GeneDx
Classification: Uncertain significance. Last evaluated: 2024-09-29. Review status: criteria provided, single submitter. Criteria: GeneDx Variant Classification Process June 2021. Collection method: clinical testing. Allele origin: germline. Affected: yes.
Comment: Not observed at significant frequency in large population cohorts (gnomAD); In silico analysis indicates that this missense variant does not alter protein structure/function; Has not been previously published as pathogenic or benign to our knowledge